The following is an entry in ClinVar:

ClinVar aggregate classification (germline): Pathogenic (1 of 4 stars; one submission).

Submission:

Labcorp Genetics (formerly Invitae), Labcorp
Classification: Pathogenic. Last evaluated: 2025-08-22. Review status: criteria provided, single submitter. Criteria: Invitae Variant Classification Sherloc (09022015). Collection method: clinical testing. Allele origin: germline.
Comment: This sequence change creates a premature translational stop signal (p.Leu1028_Gln1029delinsAlaSer*) in the DUOX2 gene. It is expected to result in an absent or disrupted protein product. Loss-of-function variants in DUOX2 are known to be pathogenic (PMID: 12110737, 18765513, 21565790, 24423310, 24735383). Information on the frequency of this variant in the gnomAD database is not available, as this variant may be reported differently in the database. This variant has not been reported in the literature in individuals affected with DUOX2-related conditions. For these reasons, this variant has been classified as Pathogenic.

Literature cited by the submitters: PubMed 12110737; PubMed 18765513; PubMed 21565790; PubMed 24423310; PubMed 24735383.

NM_001363711.2(DUOX2):c.3082_3085delinsGCTTCCT (p.Leu1028_Gln1029delinsAlaSerTer)

Gene: DUOX2 (dual oxidase 2; minus strand). Cytogenetic location: 15q21.1.
Variant type: Indel.
Coding change: c.3082_3085delinsGCTTCCT on transcript NM_001363711.2 (MANE Select); coding-DNA positions 3082 to 3085, CTGC replaced by GCTTCCT.
Protein change: p.Leu1028_Gln1029delinsAlaSerTer.
Molecular consequence: nonsense.
Genome position (GRCh38, 1-based): chr15:45,100,149-45,100,152, GCAG replaced by AGGAAGC on the plus strand (CTGC replaced by GCTTCCT on the coding strand, the reverse complement: DUOX2 is on the minus strand). VCF-style: chr15-45100149-GCAG-AGGAAGC. GRCh37 (hg19) VCF-style: chr15-45392347-GCAG-AGGAAGC.
Other names: c.3082_3085delinsGCTTCCT, p.Leu1028_Gln1029delinsAlaSerTer (NM_014080.5).
Identifiers: ClinVar variation 4701550 (VCV004701550.1).
Genomic context (GRCh38, chr15:45,100,149, plus strand): 5'-AGAAGATTGCCACACACACGATGTGCCTCCGGTAGTTCTCCACGAAGCGCTTGTACTGCT[GCAG>AGGAAGC]CTTTTGGGCTAGGAAGCCTCGCTGCATCTTCTCTTGCAGCGCCTCTGTGTACAGCCGGGG-3'